The following is an entry in ClinVar:

NM_003742.4(ABCB11):c.1083+18A>T

Gene: ABCB11 (ATP binding cassette subfamily B member 11; minus strand). Cytogenetic location: 2q31.1.
Variant type: single nucleotide variant.
Coding change: c.1083+18A>T on transcript NM_003742.4 (MANE Select); 18 bases into the intron after coding-DNA position 1083, A replaced by T.
Molecular consequence: intron variant.
Genome position (GRCh38, 1-based): chr2:168,986,092, T>A on the plus strand (A>T on the coding strand, the complement: ABCB11 is on the minus strand). VCF-style: chr2-168986092-T-A. GRCh37 (hg19) VCF-style: chr2-169842602-T-A.
Other names: p.?; c.1083+18A>T (LRG_1199t1).
Identifiers: ClinVar variation 382398 (VCV000382398.8), dbSNP rs7560402, ClinGen allele CA1951714.

ClinVar aggregate classification (germline): Benign. Review status: criteria provided, multiple submitters, no conflicts (2 of 4 stars). 4 submissions from 4 submitters: Benign (4). Last evaluated 2026-02-04.

Allele frequency attached by ClinVar (database versions not stated): gnomAD exomes 0.00202 and 0.00565; ExAC 0.00851; ESP Exome Variant Server 0.02156; gnomAD 0.02274 and 0.02434; TOPMed 0.02542; 1000 Genomes Project 0.02756; 1000 Genomes Project 30x 0.02764.
gnomAD v4.1: 6,408 of 1,538,802 alleles (0.42%); highest among the groups gnomAD compares: African/African-American, 7.6%; 227 homozygotes.

Submissions (4):

Labcorp Genetics (formerly Invitae), Labcorp
Classification: Benign. Last evaluated: 2026-02-04. Review status: criteria provided, single submitter. Criteria: Invitae Variant Classification Sherloc (09022015). Collection method: clinical testing. Allele origin: germline.

Mayo Clinic Laboratories, Mayo Clinic
Classification: Benign. Last evaluated: 2022-01-27. Review status: criteria provided, single submitter. Criteria: ACMG Guidelines, 2015. Collection method: clinical testing. Allele origin: germline. Observed: 20 variant alleles.

GeneDx
Classification: Benign. Last evaluated: 2016-03-14. Review status: criteria provided, single submitter. Criteria: GeneDx Variant Classification (06012015). Collection method: clinical testing. Allele origin: germline. Affected: yes.
Comment: This variant is considered likely benign or benign based on one or more of the following criteria: it is a conservative change, it occurs at a poorly conserved position in the protein, it is predicted to be benign by multiple in silico algorithms, and/or has population frequency not consistent with disease.

Breakthrough Genomics
Classification: Benign. Review status: criteria provided, single submitter. Criteria: ACMG Guidelines, 2015. Collection method: not provided. Allele origin: germline. Inheritance: Autosomal recessive inheritance. Affected: yes.